The following is an entry in ClinVar:

ClinVar aggregate classification (germline): Benign. Review status: criteria provided, multiple submitters, no conflicts (2 of 4 stars). 2 submissions from 2 submitters: Benign (2). Last evaluated 2018-01-13.

Conditions:
Vesicoureteral reflux 2 (VUR2). Identifiers: Orphanet 289365, MedGen C1970483, MONDO:0012573, OMIM 610878.

Allele frequency attached by ClinVar (database versions not stated): 1000 Genomes Project 30x 0.00203; 1000 Genomes Project 0.00220; gnomAD 0.00299 and 0.00310; gnomAD exomes 0.00337; TOPMed 0.00381.

Submissions (2):

Illumina Laboratory Services, Illumina
Classification: Benign for Vesicoureteral reflux 2. Last evaluated: 2018-01-13. Review status: criteria provided, single submitter. Criteria: ICSL Variant Classification Criteria 13 December 2019. Collection method: clinical testing. Allele origin: germline.
Comment: This variant was observed in the ICSL laboratory as part of a predisposition screen in an ostensibly healthy population. It had not been previously curated by ICSL or reported in the Human Gene Mutation Database (HGMD: prior to June 1st, 2018), and was therefore a candidate for classification through an automated scoring system. Utilizing variant allele frequency, disease prevalence and penetrance estimates, and inheritance mode, an automated score was calculated to assess if this variant is too frequent to cause the disease. Based on the score and internal cut-off values, a variant classified as benign is not then subjected to further curation. The score for this variant resulted in a classification of benign for this disease.

Breakthrough Genomics
Classification: Benign. Review status: criteria provided, single submitter. Criteria: ACMG Guidelines, 2015. Collection method: not provided. Allele origin: germline. Inheritance: Autosomal dominant inheritance. Affected: yes.

NM_001395656.1(ROBO2):c.*121G>A

Gene: ROBO2 (roundabout guidance receptor 2; plus strand). Cytogenetic location: 3p12.3.
Variant type: single nucleotide variant.
Coding change: c.*121G>A on transcript NM_001395656.1 (MANE Select); 121 bases downstream of the stop codon, G replaced by A.
Molecular consequence: 3 prime UTR variant.
Genome position (GRCh38, 1-based): chr3:77,646,176, G>A. VCF-style: chr3-77646176-G-A. GRCh37 (hg19) VCF-style: chr3-77695327-G-A.
Other names: c.*121G>A (NM_001128929.3, NM_001290039.2, NM_001290040.2 and 14 more transcripts); c.*118G>A (NM_001378194.1, NM_001378196.1, NM_001378199.1 and 3 more transcripts).
Identifiers: ClinVar variation 346717 (VCV000346717.7), dbSNP rs139789773, ClinGen allele CA10617460.